The following is an entry in ClinVar:

NM_020987.5(ANK3):c.1618G>A (p.Ala540Thr)

Gene: ANK3 (ankyrin 3; minus strand). Cytogenetic location: 10q21.2.
Variant type: single nucleotide variant.
Coding change: c.1618G>A on transcript NM_020987.5 (MANE Select); coding-DNA position 1618, G replaced by A.
Protein change: p.Ala540Thr; replaces alanine 540 with threonine.
Molecular consequence: missense variant.
Genome position (GRCh38, 1-based): chr10:60,198,411, C>T on the plus strand (G>A on the coding strand, the complement: ANK3 is on the minus strand). VCF-style: chr10-60198411-C-T. GRCh37 (hg19) VCF-style: chr10-61958169-C-T.
Other names: c.1618G>A (NM_020987.3); c.1600G>A, p.Ala534Thr (NM_001204403.2); c.1567G>A, p.Ala523Thr (NM_001204404.2); c.1618G>A, p.Ala540Thr (NM_001320874.2); short protein forms A523T, A534T, A540T.
Identifiers: ClinVar variation 3064033 (VCV003064033.4), dbSNP rs749066468, ClinGen allele CA5513095.

ClinVar aggregate classification (germline): Uncertain significance. Review status: criteria provided, multiple submitters, no conflicts (2 of 4 stars). 2 submissions from 2 submitters: Uncertain significance (2). Last evaluated 2025-01-22.

Conditions:
Inborn genetic diseases. Identifiers: MedGen C0950123, MeSH D030342.

Allele frequency attached by ClinVar (database versions not stated): ExAC 0.00002; gnomAD 0.00003.
gnomAD v4.1: 12 of 1,614,042 alleles (0.00074%); highest among the groups gnomAD compares: Admixed American, 0.0017%; no homozygotes.

Submissions (2):

Ambry Genetics
Classification: Uncertain significance for Inborn genetic diseases. Last evaluated: 2025-01-22. Review status: criteria provided, single submitter. Criteria: Ambry Variant Classification Scheme 2023. Collection method: clinical testing. Allele origin: germline.

GeneDx
Classification: Uncertain significance. Last evaluated: 2025-01-22. Review status: criteria provided, single submitter. Criteria: GeneDx Variant Classification Process June 2021. Collection method: clinical testing. Allele origin: germline. Affected: yes.
Comment: In silico analysis supports that this missense variant has a deleterious effect on protein structure/function; Has not been previously published as pathogenic or benign to our knowledge